The following is an entry in ClinVar:

NM_001378183.1(PIEZO2):c.8266C>G (p.Pro2756Ala)

Gene: PIEZO2 (piezo type mechanosensitive ion channel component 2; minus strand). Cytogenetic location: 18p11.22.
Variant type: single nucleotide variant.
Coding change: c.8266C>G on transcript NM_001378183.1 (MANE Select); coding-DNA position 8266, C replaced by G.
Protein change: p.Pro2756Ala; replaces proline 2756 with alanine.
Molecular consequence: missense variant.
Genome position (GRCh38, 1-based): chr18:10,672,769, G>C on the plus strand (C>G on the coding strand, the complement: PIEZO2 is on the minus strand). VCF-style: chr18-10672769-G-C. GRCh37 (hg19) VCF-style: chr18-10672766-G-C.
Other names: c.7927C>G (NM_022068.2); c.8002C>G, p.Pro2668Ala (NM_001410871.1); c.7927C>G, p.Pro2643Ala (NM_022068.4); short protein forms P2668A, P2643A, P2756A.
Identifiers: ClinVar variation 3020803 (VCV003020803.4), dbSNP rs142364104, ClinGen allele CA8891767.
Genomic context (GRCh38, chr18:10,672,769, plus strand): 5'-CCAGACTTGGGGGACTGACTTTGTCATTGAAGACCACCAGTTCCAGGGCCTGAGAGTTCG[G>C]ATTGTATATTCTGTTTCCAGTCAGGTTGAGAACCCACCACTCACTGTTATATTTAGTTGT-3'
Protein context (NP_001365112.1, residues 2746-2766): LNLTGNRIYN[Pro2756Ala]NSQALELVVF

ClinVar aggregate classification (germline): Uncertain significance. Review status: criteria provided, multiple submitters, no conflicts (2 of 4 stars). 2 submissions from 2 submitters: Uncertain significance (2). Last evaluated 2025-08-10.

Conditions:
Inborn genetic diseases. Identifiers: MedGen C0950123, MeSH D030342.

Allele frequency attached by ClinVar (database versions not stated): TOPMed 0.00006; gnomAD 0.00009; ExAC 0.00012; ESP Exome Variant Server 0.00015; 1000 Genomes Project 30x 0.00031; 1000 Genomes Project 0.00040.
gnomAD v4.1: 374 of 1,614,040 alleles (0.023%); highest among the groups gnomAD compares: Non-Finnish European, 0.028%; no homozygotes.

Submissions (2):

Ambry Genetics
Classification: Uncertain significance for Inborn genetic diseases. Last evaluated: 2025-08-10. Review status: criteria provided, single submitter. Criteria: Ambry Variant Classification Scheme 2023. Collection method: clinical testing. Allele origin: germline.

Labcorp Genetics (formerly Invitae), Labcorp
Classification: Uncertain significance. Last evaluated: 2023-05-02. Review status: criteria provided, single submitter. Criteria: Invitae Variant Classification Sherloc (09022015). Collection method: clinical testing. Allele origin: germline.
Comment: In summary, the available evidence is currently insufficient to determine the role of this variant in disease. Therefore, it has been classified as a Variant of Uncertain Significance. Advanced modeling of protein sequence and biophysical properties (such as structural, functional, and spatial information, amino acid conservation, physicochemical variation, residue mobility, and thermodynamic stability) performed at Invitae indicates that this missense variant is not expected to disrupt PIEZO2 protein function. This variant has not been reported in the literature in individuals affected with PIEZO2-related conditions. This variant is present in population databases (rs142364104, gnomAD 0.05%). This sequence change replaces proline, which is neutral and non-polar, with alanine, which is neutral and non-polar, at codon 2643 of the PIEZO2 protein (p.Pro2643Ala).